The following is an entry in ClinVar:

ClinVar aggregate classification (germline): Uncertain significance (1 of 4 stars; one submission).

Conditions:
Hereditary cancer-predisposing syndrome. Also called: Tumor predisposition; Hereditary Cancer Syndrome; Hereditary neoplastic syndrome; Neoplastic Syndromes, Hereditary. Identifiers: Orphanet 140162, MedGen C0027672, MeSH D009386, MONDO:0015356.

Submission:

Ambry Genetics
Classification: Uncertain significance for Hereditary cancer-predisposing syndrome. Last evaluated: 2024-05-09. Review status: criteria provided, single submitter. Criteria: Ambry Variant Classification Scheme 2023. Collection method: clinical testing. Allele origin: germline.
Comment: The c.4073+3A>C intronic variant results from an A to C substitution 3 nucleotides after coding exon 27 in the ALK gene. This nucleotide position is well conserved in available vertebrate species. In silico splice site analysis predicts that this alteration may weaken the native splice donor site. Based on the available evidence, the clinical significance of this variant remains unclear.

NM_004304.5(ALK):c.4073+3A>C

Gene: ALK (ALK receptor tyrosine kinase; minus strand). Cytogenetic location: 2p23.2.
Variant type: single nucleotide variant.
Coding change: c.4073+3A>C on transcript NM_004304.5 (MANE Select); 3 bases into the intron after coding-DNA position 4073, A replaced by C.
Molecular consequence: intron variant.
Genome position (GRCh38, 1-based): chr2:29,197,539, T>G on the plus strand (A>C on the coding strand, the complement: ALK is on the minus strand). VCF-style: chr2-29197539-T-G. GRCh37 (hg19) VCF-style: chr2-29420405-T-G.
Other names: c.869+3A>C (NM_001353765.2).
Identifiers: ClinVar variation 3285964 (VCV003285964.1).